The following is an entry in ClinVar:

NM_001379610.1(SPINK1):c.47G>T (p.Ser16Ile)

Gene: SPINK1 (serine peptidase inhibitor Kazal type 1; minus strand). Cytogenetic location: 5q32.
Variant type: single nucleotide variant.
Coding change: c.47G>T on transcript NM_001379610.1 (MANE Select); coding-DNA position 47, G replaced by T.
Protein change: p.Ser16Ile; replaces serine 16 with isoleucine.
Molecular consequence: missense variant.
Genome position (GRCh38, 1-based): chr5:147,831,531, C>A on the plus strand (G>T on the coding strand, the complement: SPINK1 is on the minus strand). VCF-style: chr5-147831531-C-A. GRCh37 (hg19) VCF-style: chr5-147211094-C-A.
Other names: c.47G>T, p.Ser16Ile (NM_001354966.2, NM_003122.5); short protein forms S16I.
Identifiers: ClinVar variation 2565138 (VCV002565138.2), dbSNP rs2480208182, ClinGen allele CA361885497.
Genomic context (GRCh38, chr5:147,831,531, plus strand): 5'-AGCAACAGGTCAAAACAGTTTTATTTAAATTTGAAAAATATGCAACACTTACCAGATAGA[C>A]TCAACAGGGCCAAGGCACTGAGAAGAAAGATGCCTGTTACCTTCATGGCTGAAGTTCTGC-3'
Protein context (NP_001366539.1, residues 6-26): IFLLSALALL[Ser16Ile]LSGNTGADSL

ClinVar aggregate classification (germline): Uncertain significance (1 of 4 stars; one submission).

Conditions:
Hereditary pancreatitis (PCTT). Also called: Hereditary chronic pancreatitis; PRSS1-Related Hereditary Pancreatitis. Identifiers: Orphanet 676, MedGen C0238339, MONDO:0008185, OMIM 167800.

Allele frequency attached by ClinVar (database versions not stated): gnomAD exomes below 0.00001.
gnomAD v4.1: 1 of 1,613,590 alleles (0.000062%); highest among the groups gnomAD compares: Non-Finnish European, 0.000085%; no homozygotes.

Submission:

Ambry Genetics
Classification: Uncertain significance for Hereditary pancreatitis. Last evaluated: 2023-04-07. Review status: criteria provided, single submitter. Criteria: Ambry Variant Classification Scheme 2023. Collection method: clinical testing. Allele origin: germline.
Comment: The p.S16I variant (also known as c.47G>T), located in coding exon 1 of the SPINK1 gene, results from a G to T substitution at nucleotide position 47. The serine at codon 16 is replaced by isoleucine, an amino acid with dissimilar properties. This amino acid position is conserved. In addition, this alteration is predicted to be tolerated by in silico analysis. Since supporting evidence is limited at this time, the clinical significance of this alteration remains unclear.